The following is an entry in ClinVar:

ClinVar aggregate classification (germline): Conflicting classifications of pathogenicity. Review status: criteria provided, conflicting classifications (1 of 4 stars). 2 submissions from 2 submitters: Uncertain significance (1); Likely benign (1). Last evaluated 2025-11-20.

Conditions:
NEFH-related disorder. Also called: NEFH-related condition.

Allele frequency attached by ClinVar (database versions not stated): gnomAD exomes 0.00001; TOPMed 0.00008; gnomAD 0.00009.
gnomAD v4.1: 25 of 1,535,778 alleles (0.0016%); highest among the groups gnomAD compares: African/African-American, 0.029%; no homozygotes.

Submissions (2):

Labcorp Genetics (formerly Invitae), Labcorp
Classification: Likely benign. Last evaluated: 2025-11-20. Review status: criteria provided, single submitter. Criteria: Invitae Variant Classification Sherloc (09022015). Collection method: clinical testing. Allele origin: germline.

PreventionGenetics, part of Exact Sciences
Classification: Uncertain significance for NEFH-related condition. Last evaluated: 2023-07-28. Review status: criteria provided, single submitter. Criteria: ACMG Guidelines, 2015. Collection method: clinical testing. Allele origin: germline.
Comment: The NEFH c.256G>A variant is predicted to result in the amino acid substitution p.Gly86Ser. To our knowledge, this variant has not been reported in the literature. This variant is reported in 0.039% of alleles in individuals of African descent in gnomAD. At this time, the clinical significance of this variant is uncertain due to the absence of conclusive functional and genetic evidence.

NM_021076.4(NEFH):c.256G>A (p.Gly86Ser)

Gene: NEFH (neurofilament heavy chain; plus strand). Cytogenetic location: 22q12.2.
Variant type: single nucleotide variant.
Coding change: c.256G>A on transcript NM_021076.4 (MANE Select); coding-DNA position 256, G replaced by A.
Protein change: p.Gly86Ser; replaces glycine 86 with serine.
Molecular consequence: missense variant.
Genome position (GRCh38, 1-based): chr22:29,480,518, G>A. VCF-style: chr22-29480518-G-A. GRCh37 (hg19) VCF-style: chr22-29876507-G-A.
Other names: c.256G>A (NM_021076.3); short protein forms G86S.
Identifiers: ClinVar variation 1669445 (VCV001669445.9), dbSNP rs918913612, ClinGen allele CA323082817.
Genomic context (GRCh38, chr22:29,480,518, plus strand): 5'-CGTGGCGCAGGCGCCGCCTCAAGCACCGACTCGCTGGACACGCTGAGCAACGGGCCGGAG[G>A]GCTGCATGGTGGCGGTGGCCACCTCACGCAGTGAGAAGGAGCAGCTGCAGGCGCTGAACG-3'
Protein context (NP_066554.2, residues 76-96): SLDTLSNGPE[Gly86Ser]CMVAVATSRS